The following is an entry in ClinVar:

ClinVar aggregate classification (germline): Uncertain significance (1 of 4 stars; one submission).

Submission:

Labcorp Genetics (formerly Invitae), Labcorp
Classification: Uncertain significance. Last evaluated: 2024-05-31. Review status: criteria provided, single submitter. Criteria: Invitae Variant Classification Sherloc (09022015). Collection method: clinical testing. Allele origin: germline.
Comment: This sequence change replaces lysine, which is basic and polar, with asparagine, which is neutral and polar, at codon 411 of the CEACAM16 protein (p.Lys411Asn). This variant is not present in population databases (gnomAD no frequency). This variant has not been reported in the literature in individuals affected with CEACAM16-related conditions. An algorithm developed to predict the effect of missense changes on protein structure and function (PolyPhen-2) suggests that this variant is likely to be disruptive. In summary, the available evidence is currently insufficient to determine the role of this variant in disease. Therefore, it has been classified as a Variant of Uncertain Significance.

NM_001039213.4(CEACAM16):c.1233G>C (p.Lys411Asn)

Genes: CEACAM16 (CEA cell adhesion molecule 16, tectorial membrane component; plus strand), CEACAM16-AS1 (CEACAM16, CEACAM19 and PVR antisense RNA 1; minus strand). Cytogenetic location: 19q13.32.
Variant type: single nucleotide variant.
Coding change: c.1233G>C on transcript NM_001039213.4 (MANE Select); coding-DNA position 1233, G replaced by C.
Protein change: p.Lys411Asn; replaces lysine 411 with asparagine.
Molecular consequence: missense variant.
Genome position (GRCh38, 1-based): chr19:44,708,153, G>C. VCF-style: chr19-44708153-G-C. GRCh37 (hg19) VCF-style: chr19-45211425-G-C.
Other names: short protein forms K411N.
Identifiers: ClinVar variation 3655193 (VCV003655193.2).